The following is an entry in ClinVar:

ClinVar aggregate classification (germline): Conflicting classifications of pathogenicity. Review status: criteria provided, conflicting classifications (1 of 4 stars). 2 submissions from 2 submitters: Likely pathogenic (1); Uncertain significance (1). Last evaluated 2022-12-12.

Conditions:
Mucopolysaccharidosis, MPS-II (MPS2). Also called: Mucopolysaccharidosis Type II; Attenuated MPS (subtype; formerly known as mild MPS II); Severe MPS II; I2S deficiency; MPS 2; Hunter Syndrome. Identifiers: Orphanet 580, Orphanet 79388, MedGen C0026705, MONDO:0010674, OMIM 309900.

Allele frequency attached by ClinVar (database versions not stated): gnomAD exomes below 0.00001; ExAC 0.00001; gnomAD 0.00001; 1000 Genomes Project 30x 0.00021.
gnomAD v4.1: 7 of 1,209,429 alleles (0.00058%); highest among the groups gnomAD compares: South Asian, 0.0088%; no homozygotes.

Submissions (2):

Foundation for Research in Genetics and Endocrinology, FRIGE's Institute of Human Genetics
Classification: Likely pathogenic for Mucopolysaccharidosis, MPS-II. Last evaluated: 2022-12-12. Review status: criteria provided, single submitter. Criteria: ACMG Guidelines, 2015. Collection method: clinical testing. Allele origin: germline. Inheritance: X-linked recessive inheritance. Affected: yes. Observed: 1 hemizygote.
Comment: A hemizygous missense variant in exon 6 of the IDS gene that results in the amino acid substitution of Threonine for Alanine at codon 250 was detected. The observed variant c.748G>A has not been reported in the 1000 genomes and has a minor allele frequency of 0.00055% in the gnomAD database. The in silico prediction of the variant are possibly damaging by LRT and FATHMM. In summary, the variant meets our criteria to be classified as likely pathogenic.

Neuberg Centre For Genomic Medicine, NCGM
Classification: Uncertain significance for Mucopolysaccharidosis, MPS-II. Review status: criteria provided, single submitter. Criteria: ACMG Guidelines, 2015. Collection method: clinical testing. Allele origin: germline. Inheritance: Autosomal recessive inheritance. Affected: yes.
Comment: The missense c.748G>A p.Ala250Thr variant in the IDS gene has not been reported previously as a pathogenic variant nor as a benign variant, to our knowledge. This variant is reported with the allele frequency 0.0005% in the gnomAD Exomes and novel in 1000 Genomes. The amino acid Alanine at position 250 is changed to a Threonine changing protein sequence and it might alter its composition and physico-chemical properties. The amino acid change p.Ala250Thr in IDS is predicted as conserved by GERP++ and PhyloP across 100 vertebrates. For these reasons, this variant has been classified as Uncertain Significance.

NM_000202.8(IDS):c.748G>A (p.Ala250Thr)

Genes: IDS (iduronate 2-sulfatase; minus strand), LOC106050102 (IDS recombination region; plus strand). Cytogenetic location: Xq28.
Variant type: single nucleotide variant.
Coding change: c.748G>A on transcript NM_000202.8 (MANE Select); coding-DNA position 748, G replaced by A.
Protein change: p.Ala250Thr; replaces alanine 250 with threonine.
Molecular consequence: missense variant. On other transcripts: non-coding transcript variant (1).
Genome position (GRCh38, 1-based): chrX:149,496,477, C>T on the plus strand (G>A on the coding strand, the complement: IDS is on the minus strand). VCF-style: chrX-149496477-C-T. GRCh37 (hg19) VCF-style: chrX-148578008-C-T.
Other names: Ala250Thr; c.478G>A, p.Ala160Thr (NM_001166550.4); c.748G>A, p.Ala250Thr (NM_006123.5); short protein forms A160T, A250T.
Identifiers: ClinVar variation 3234911 (VCV003234911.3), dbSNP rs782613338, ClinGen allele CA10537609.